The following is an entry in ClinVar:

NM_003801.4(GPAA1):c.1760A>C (p.Gln587Pro)

Gene: GPAA1 (glycosylphosphatidylinositol anchor attachment 1; plus strand). Cytogenetic location: 8q24.3.
Variant type: single nucleotide variant.
Coding change: c.1760A>C on transcript NM_003801.4 (MANE Select); coding-DNA position 1760, A replaced by C.
Protein change: p.Gln587Pro; replaces glutamine 587 with proline.
Molecular consequence: missense variant.
Genome position (GRCh38, 1-based): chr8:144,086,019, A>C. VCF-style: chr8-144086019-A-C. GRCh37 (hg19) VCF-style: chr8-145140922-A-C.
Other names: short protein forms Q587P.
Identifiers: ClinVar variation 4854679 (VCV004854679.1).
Genomic context (GRCh38, chr8:144,086,019, plus strand): 5'-TGCAGGAGGCGCCACTGTCACTGGCCGAGGGCTGGCAGCTCTTCCTGGCAGCGCTAGCCC[A>C]GGGTGTGCTGGAGCACCACACCTACGGCGCCCTGCTCTTCCCACTGCTGTCCCTGGGCCT-3'
Protein context (NP_003792.1, residues 577-597): GWQLFLAALA[Gln587Pro]GVLEHHTYGA

ClinVar aggregate classification (germline): Uncertain significance (1 of 4 stars; one submission).

Conditions:
Glycosylphosphatidylinositol biosynthesis defect 15. Also called: DEVELOPMENTAL DELAY, EPILEPSY, CEREBELLAR ATROPHY, AND OSTEOPENIA. Identifiers: Orphanet 529665, MedGen C4540520, MONDO:0060627, OMIM 617810.

Submission:

3billion
Classification: Uncertain significance for Glycosylphosphatidylinositol biosynthesis defect 15. Last evaluated: 2025-09-28. Review status: criteria provided, single submitter. Criteria: ACMG Guidelines, 2015. Collection method: clinical testing. Allele origin: germline. Affected: yes.
Comment: The variant is not observed in the gnomAD v4.1.0 dataset. Predicted Consequence/Location: Missense variant. The majority of the known disease-causing variants of this gene are variants expected to result in premature termination of the protein. Different missense changes at the same codon have been reported as of uncertain significance (ClinVar ID: VCV002001458). Therefore, this variant is classified as VUS according to the recommendation of ACMG/AMP guideline.